The following is an entry in ClinVar:

NM_002485.5(NBN):c.1146del (p.Glu383fs)

Gene: NBN (nibrin; minus strand). Cytogenetic location: 8q21.3.
Variant type: Deletion.
Coding change: c.1146del on transcript NM_002485.5 (MANE Select); coding-DNA position 1146, one base deleted (A; older notation c.1146delA).
Protein change: p.Glu383fs; shifts the reading frame from glutamic acid 383.
Molecular consequence: frameshift variant.
Genome position (GRCh38, 1-based): chr8:89,955,534, T deleted on the plus strand (A on the coding strand, the reverse complement: NBN is on the minus strand); the first of 4 consecutive T bases (chr8:89,955,534-89,955,537); deleting any one gives the same sequence. VCF-style (leftmost placement, unchanged base first): chr8-89955533-CT-C. GRCh37 (hg19) VCF-style: chr8-90967761-CT-C.
Other names: c.900del, p.Glu301fs (NM_001024688.3); short protein forms E301fs, E383fs.
Identifiers: ClinVar variation 822251 (VCV000822251.11), dbSNP rs1586059584, ClinGen allele CA915945779.

ClinVar aggregate classification (germline): Pathogenic/Likely pathogenic. Review status: criteria provided, multiple submitters, no conflicts (2 of 4 stars). 3 submissions from 3 submitters: Pathogenic (2); Likely pathogenic (1). Last evaluated 2024-01-17.

Conditions:
Hereditary cancer-predisposing syndrome. Also called: Hereditary Cancer Syndrome; Neoplastic Syndromes, Hereditary; Hereditary neoplastic syndrome; Tumor predisposition. Identifiers: Orphanet 140162, MedGen C0027672, MeSH D009386, MONDO:0015356.
Aplastic anemia. Identifiers: Orphanet 182040, Orphanet 88, MedGen C0002874, MONDO:0015909, OMIM 609135, HP:0001915.
Microcephaly, normal intelligence and immunodeficiency (NBS). Also called: Nijmegen breakage syndrome; Microcephaly with normal intelligence immunodeficiency and lymphoreticular malignancies; Nonsyndromal microcephaly autosomal recessive with normal intelligence; Seemanova syndrome 2; Immunodeficiency, microcephaly with normal intelligence; Ataxia telangiectasia variant V1. Identifiers: Orphanet 647, MedGen C0398791, MONDO:0009623, OMIM 251260.

Submissions (3):

Baylor Genetics
Classification: Likely pathogenic for Aplastic anemia. Last evaluated: 2024-01-17. Review status: criteria provided, single submitter. Criteria: ACMG Guidelines, 2015. Collection method: clinical testing. Allele origin: unknown.

Labcorp Genetics (formerly Invitae), Labcorp
Classification: Pathogenic for Microcephaly, normal intelligence and immunodeficiency. Last evaluated: 2022-08-09. Review status: criteria provided, single submitter. Criteria: Invitae Variant Classification Sherloc (09022015). Collection method: clinical testing. Allele origin: germline.
Comment: For these reasons, this variant has been classified as Pathogenic. ClinVar contains an entry for this variant (Variation ID: 822251). This variant has not been reported in the literature in individuals affected with NBN-related conditions. This variant is not present in population databases (gnomAD no frequency). This sequence change creates a premature translational stop signal (p.Glu383Lysfs*21) in the NBN gene. It is expected to result in an absent or disrupted protein product. Loss-of-function variants in NBN are known to be pathogenic (PMID: 9590180, 16415040).

Ambry Genetics
Classification: Pathogenic for Hereditary cancer-predisposing syndrome. Last evaluated: 2018-07-18. Review status: criteria provided, single submitter. Criteria: Ambry Variant Classification Scheme 2023. Collection method: clinical testing. Allele origin: germline.
Comment: The c.1146delA pathogenic mutation, located in coding exon 10 of the NBN gene, results from a deletion of one nucleotide at nucleotide position 1146, causing a translational frameshift with a predicted alternate stop codon (p.E383Kfs*21). This alteration is expected to result in loss of function by premature protein truncation or nonsense-mediated mRNA decay. As such, this alteration is interpreted as a disease-causing mutation.

Literature cited by the submitters: PubMed 9590180 (cited by Labcorp Genetics (formerly Invitae), Labcorp); PubMed 16415040 (cited by Labcorp Genetics (formerly Invitae), Labcorp).